The following is an entry in ClinVar:

ClinVar aggregate classification (germline): Uncertain significance. Review status: criteria provided, multiple submitters, no conflicts (2 of 4 stars). 2 submissions from 2 submitters: Uncertain significance (2). Last evaluated 2026-02-09.

Conditions:
Inborn genetic diseases. Identifiers: MedGen C0950123, MeSH D030342.
PKD1-related disorder. Also called: PKD1-related condition.

gnomAD v4.1: 33 of 1,184,114 alleles (0.0028%); highest among the groups gnomAD compares: Non-Finnish European, 0.0031%; no homozygotes.

Submissions (2):

PreventionGenetics, part of Exact Sciences
Classification: Uncertain significance for PKD1-related condition. Last evaluated: 2026-02-09. Review status: criteria provided, single submitter. Criteria: ACMG Guidelines, 2015. Collection method: clinical testing. Allele origin: germline.
Comment: The PKD1 c.544G>A variant is predicted to result in the amino acid substitution p.Ala182Thr. To our knowledge, this variant has not been reported in the literature. This variant is reported in 0.0074% of alleles in individuals of European (Non-Finnish) descent in gnomAD. At this time, the clinical significance of this variant is uncertain due to the absence of conclusive functional and genetic evidence.

Ambry Genetics
Classification: Uncertain significance for Inborn genetic diseases. Last evaluated: 2025-12-11. Review status: criteria provided, single submitter. Criteria: Ambry Variant Classification Scheme 2023. Collection method: clinical testing. Allele origin: germline.

NM_001009944.3(PKD1):c.544G>A (p.Ala182Thr)

Gene: PKD1 (polycystin 1, transient receptor potential channel interacting; minus strand). Cytogenetic location: 16p13.3.
Variant type: single nucleotide variant.
Coding change: c.544G>A on transcript NM_001009944.3 (MANE Select); coding-DNA position 544, G replaced by A.
Protein change: p.Ala182Thr; replaces alanine 182 with threonine.
Molecular consequence: missense variant.
Genome position (GRCh38, 1-based): chr16:2,118,448, C>T on the plus strand (G>A on the coding strand, the complement: PKD1 is on the minus strand). VCF-style: chr16-2118448-C-T. GRCh37 (hg19) VCF-style: chr16-2168449-C-T.
Other names: c.544G>A, p.Ala182Thr (NM_000296.4); short protein forms A182T.
Identifiers: ClinVar variation 4627720 (VCV004627720.2).